The following is an entry in ClinVar:

NC_000016.10:g.(?_28486347)_(28486650_?)del

Gene: CLN3 (CLN3 lysosomal/endosomal transmembrane protein, battenin; minus strand). Cytogenetic location: 16p12.1.
Variant type: Deletion.
Identifiers: ClinVar variation 584138 (VCV000584138.2).

ClinVar aggregate classification (germline): Pathogenic (1 of 4 stars; one submission).

Conditions:
Neuronal ceroid lipofuscinosis. Also called: Neuronal Ceroid Lipofuscinoses. Identifiers: Orphanet 216, Orphanet 79263, MedGen C0027877, MONDO:0016295. Disease mechanism: loss of function.

Submission:

Labcorp Genetics (formerly Invitae), Labcorp
Classification: Pathogenic for Neuronal ceroid lipofuscinosis. Last evaluated: 2019-11-26. Review status: criteria provided, single submitter. Criteria: Invitae Variant Classification Sherloc (09022015). Collection method: clinical testing. Allele origin: germline.
Comment: This variant is a gross deletion of the genomic region encompassing exons 8-9 of the CLN3 gene. This creates a premature translational stop signal and is expected to result in a disrupted protein product. Loss-of-function variants in CLN3 are known to be pathogenic. Deletion of exons 8-9, also referred to as exons 7-8 in the literature, is the most common cause of juvenile neuronal ceroid lipofuscinosis, also known as Batten disease, accounting for between 81-85% of all disease-causing alleles (PMID: 7553855, 21990111, 23374165, 20187884, 21228398). ClinVar contains entries for similar deletions of exons 8-9 (Variation IDs: 3552, 457935). Experimental studies have shown this deletion results in a disrupted CLN3 protein that is retained in the endoplasmic reticulum, possibly due to the loss of lysosomal targeting signals (PMID: 10332042, 17947292, 19132115). For these reasons, this variant has been classified as Pathogenic.

Literature cited by the submitters: PubMed 23374165; PubMed 19132115; PubMed 21228398; PubMed 21990111; PubMed 20187884; PubMed 7553855; PubMed 17947292; PubMed 10332042.